The following is an entry in ClinVar:

ClinVar aggregate classification (germline): Uncertain significance (1 of 4 stars; one submission).

Conditions:
Nephronophthisis. Also called: Juvenile Nephronophthisis. Identifiers: Orphanet 655, MedGen C0687120, MONDO:0019005, HP:0000090.
Jeune thoracic dystrophy. Also called: Jeune syndrome; Infantile thoracic dystrophy; Thoracic pelvic phalangeal dystrophy; Jeune's syndrome; Chondroectodermal dysplasia-like syndrome; Short-rib thoracic dysplasia. Identifiers: Orphanet 474, MedGen C0265275, MONDO:0018770.

Allele frequency attached by ClinVar (database versions not stated): gnomAD 0.00001; gnomAD exomes 0.00001; TOPMed 0.00001.
gnomAD v4.1: 14 of 1,613,050 alleles (0.00087%); highest among the groups gnomAD compares: Middle Eastern, 0.016%; no homozygotes.

Submission:

Labcorp Genetics (formerly Invitae), Labcorp
Classification: Uncertain significance for Jeune thoracic dystrophy; Nephronophthisis. Last evaluated: 2023-05-23. Review status: criteria provided, single submitter. Criteria: Invitae Variant Classification Sherloc (09022015). Collection method: clinical testing. Allele origin: germline.
Comment: Advanced modeling of protein sequence and biophysical properties (such as structural, functional, and spatial information, amino acid conservation, physicochemical variation, residue mobility, and thermodynamic stability) performed at Invitae indicates that this missense variant is not expected to disrupt TTC21B protein function. In summary, the available evidence is currently insufficient to determine the role of this variant in disease. Therefore, it has been classified as a Variant of Uncertain Significance. ClinVar contains an entry for this variant (Variation ID: 1522737). This sequence change replaces arginine, which is basic and polar, with histidine, which is basic and polar, at codon 1225 of the TTC21B protein (p.Arg1225His). This variant is present in population databases (no rsID available, gnomAD 0.004%). This variant has not been reported in the literature in individuals affected with TTC21B-related conditions.

NM_024753.5(TTC21B):c.3674G>A (p.Arg1225His)

Gene: TTC21B (tetratricopeptide repeat domain 21B; minus strand). Cytogenetic location: 2q24.3.
Variant type: single nucleotide variant.
Coding change: c.3674G>A on transcript NM_024753.5 (MANE Select); coding-DNA position 3674, G replaced by A.
Protein change: p.Arg1225His; replaces arginine 1225 with histidine.
Molecular consequence: missense variant.
Genome position (GRCh38, 1-based): chr2:165,883,804, C>T on the plus strand (G>A on the coding strand, the complement: TTC21B is on the minus strand). VCF-style: chr2-165883804-C-T. GRCh37 (hg19) VCF-style: chr2-166740314-C-T.
Other names: short protein forms R1225H.
Identifiers: ClinVar variation 1522737 (VCV001522737.7), dbSNP rs1231210163, ClinGen allele CA349046392.
Genomic context (GRCh38, chr2:165,883,804, plus strand): 5'-AGCTTATGCAACAAAGGTCAATAATTATTTTTTACTCTTCAATCACCTACTCTATTATGA[C>T]GCAGGCACCGTTTTAACAGGTCTTCTGCCATGTCATATTTTGCTGATTGAATGTAAATAT-3'
Protein context (NP_079029.3, residues 1215-1235): MAEDLLKRCL[Arg1225His]HNRSCCKAYE